The following is an entry in ClinVar:

NC_000016.9:g.(?_56535245)_(56536740_?)del

Gene: BBS2 (Bardet-Biedl syndrome 2; minus strand). Cytogenetic location: 16q12.2.
Variant type: Deletion.
Identifiers: ClinVar variation 3243396 (VCV003243396.1).

ClinVar aggregate classification (germline): Pathogenic (1 of 4 stars; one submission).

Conditions:
Bardet-Biedl syndrome (BBS). Identifiers: Orphanet 110, MedGen C0752166, MONDO:0015229.

Submission:

Labcorp Genetics (formerly Invitae), Labcorp
Classification: Pathogenic for Bardet-Biedl syndrome. Last evaluated: 2023-03-07. Review status: criteria provided, single submitter. Criteria: Invitae Variant Classification Sherloc (09022015). Collection method: clinical testing. Allele origin: unknown.
Comment: For these reasons, this variant has been classified as Pathogenic. A similar copy number variant has been observed in individual(s) with autosomal recessive Bardet‚ÄìBiedl syndrome (PMID: 20177705). This variant is a gross deletion of the genomic region encompassing exon(s) 8-10 of the BBS2 gene. This deletion is out-of-frame, and is expected to create a premature termination codon and result in an absent or disrupted protein product. Loss-of-function variants in BBS2 are known to be pathogenic (PMID: 11285252, 20177705, 24608809, 26518167).

Literature cited by the submitters: PubMed 20177705; PubMed 11285252; PubMed 24608809; PubMed 26518167.